The following is an entry in ClinVar:

NM_000051.4(ATM):c.8756G>C (p.Gly2919Ala)

Genes: ATM (ATM serine/threonine kinase; plus strand), C11orf65 (chromosome 11 open reading frame 65; minus strand). Cytogenetic location: 11q22.3.
Variant type: single nucleotide variant.
Coding change: c.8756G>C on transcript NM_000051.4 (MANE Select); coding-DNA position 8756, G replaced by C.
Protein change: p.Gly2919Ala; replaces glycine 2919 with alanine.
Molecular consequence: missense variant. On other transcripts: intron variant (2).
Genome position (GRCh38, 1-based): chr11:108,353,850, G>C. VCF-style: chr11-108353850-G-C. GRCh37 (hg19) VCF-style: chr11-108224577-G-C.
Other names: c.8756G>C, p.Gly2919Ala (NM_001351834.2); c.640+32070C>G (NM_001330368.2); c.695-18558C>G (NM_001351110.2); short protein forms G2919A.
Identifiers: ClinVar variation 2001641 (VCV002001641.5), dbSNP rs2137294046, ClinGen allele CA382524116.

ClinVar aggregate classification (germline): Uncertain significance. Review status: criteria provided, multiple submitters, no conflicts (2 of 4 stars). 2 submissions from 2 submitters: Uncertain significance (2). Last evaluated 2025-12-23.

Conditions:
Hereditary cancer-predisposing syndrome. Also called: Tumor predisposition; Hereditary Cancer Syndrome; Hereditary neoplastic syndrome; Neoplastic Syndromes, Hereditary. Identifiers: Orphanet 140162, MedGen C0027672, MeSH D009386, MONDO:0015356.
Ataxia-telangiectasia syndrome (AT). Also called: Ataxia-telangiectasia, complementation group D; AT, COMPLEMENTATION GROUP C; ATAXIA-TELANGIECTASIA, COMPLEMENTATION GROUP A; ATAXIA-TELANGIECTASIA, FRESNO VARIANT; Ataxia-telangiectasia, complementation group E; LOUIS-BAR SYNDROME. Identifiers: Orphanet 100, MedGen C0004135, MONDO:0008840, OMIM 208900.

Submissions (2):

Ambry Genetics
Classification: Uncertain significance for Hereditary cancer-predisposing syndrome. Last evaluated: 2025-12-23. Review status: criteria provided, single submitter. Criteria: Ambry Variant Classification Scheme 2023. Collection method: clinical testing. Allele origin: germline.
Comment: The p.G2919A variant (also known as c.8756G>C), located in coding exon 59 of the ATM gene, results from a G to C substitution at nucleotide position 8756. The glycine at codon 2919 is replaced by alanine, an amino acid with similar properties. In an assay testing ATM function, this variant showed a functionally abnormal result (Lee KS et al. Cell, 2025 Sep;188:5081-5099.e27). This amino acid position is highly conserved in available vertebrate species. In addition, this alteration is predicted to be deleterious by in silico analysis. Based on the available evidence, the clinical significance of this variant remains unclear.

Labcorp Genetics (formerly Invitae), Labcorp
Classification: Uncertain significance for Ataxia-telangiectasia syndrome. Last evaluated: 2022-06-01. Review status: criteria provided, single submitter. Criteria: Invitae Variant Classification Sherloc (09022015). Collection method: clinical testing. Allele origin: germline.
Comment: This sequence change replaces glycine, which is neutral and non-polar, with alanine, which is neutral and non-polar, at codon 2919 of the ATM protein (p.Gly2919Ala). This variant is not present in population databases (gnomAD no frequency). In summary, the available evidence is currently insufficient to determine the role of this variant in disease. Therefore, it has been classified as a Variant of Uncertain Significance. Advanced modeling of protein sequence and biophysical properties (such as structural, functional, and spatial information, amino acid conservation, physicochemical variation, residue mobility, and thermodynamic stability) performed at Invitae indicates that this missense variant is expected to disrupt ATM protein function. This variant has not been reported in the literature in individuals affected with ATM-related conditions.

Literature cited by the submitters: PubMed 40580951 (cited by Ambry Genetics).